The following is an entry in ClinVar:

NM_197968.4(ZMYM2):c.1871C>T (p.Ser624Phe)

Gene: ZMYM2 (zinc finger MYM-type containing 2; plus strand). Cytogenetic location: 13q12.11.
Variant type: single nucleotide variant.
Coding change: c.1871C>T on transcript NM_197968.4 (MANE Select); coding-DNA position 1871, C replaced by T.
Protein change: p.Ser624Phe; replaces serine 624 with phenylalanine.
Molecular consequence: missense variant. On other transcripts: non-coding transcript variant (1).
Genome position (GRCh38, 1-based): chr13:20,031,338, C>T. VCF-style: chr13-20031338-C-T. GRCh37 (hg19) VCF-style: chr13-20605478-C-T.
Other names: c.1871C>T, p.Ser624Phe (NM_001190964.4, NM_001190965.4, NM_001353157.2 and 5 more transcripts); c.1676C>T, p.Ser559Phe (NM_001353161.3); c.1610C>T, p.Ser537Phe (NM_001353163.2); c.1871C>T (NM_003453.3); short protein forms S537F, S559F, S624F.
Identifiers: ClinVar variation 2501512 (VCV002501512.2), dbSNP rs1953115961, ClinGen allele CA387673204.

ClinVar aggregate classification (germline): Uncertain significance. Review status: criteria provided, multiple submitters, no conflicts (2 of 4 stars). 2 submissions from 2 submitters: Uncertain significance (2). Last evaluated 2025-06-04.

Conditions:
Inborn genetic diseases. Identifiers: MedGen C0950123, MeSH D030342.

Allele frequency attached by ClinVar (database versions not stated): TOPMed below 0.00001.
gnomAD v4.1: 2 of 1,607,582 alleles (0.00012%); highest among the groups gnomAD compares: African/African-American, 0.0013%; no homozygotes.

Submissions (2):

Ambry Genetics
Classification: Uncertain significance for Inborn genetic diseases. Last evaluated: 2025-06-04. Review status: criteria provided, single submitter. Criteria: Ambry Variant Classification Scheme 2023. Collection method: clinical testing. Allele origin: germline.

GeneDx
Classification: Uncertain significance. Last evaluated: 2022-11-05. Review status: criteria provided, single submitter. Criteria: GeneDx Variant Classification Process June 2021. Collection method: clinical testing. Allele origin: germline. Affected: yes.
Comment: Not observed at significant frequency in large population cohorts (gnomAD); In silico analysis supports that this missense variant does not alter protein structure/function; Has not been previously published as pathogenic or benign to our knowledge